The following is an entry in ClinVar:

NM_001283009.2(RTEL1):c.1349-14_1349-13delinsTT

Genes: RTEL1-TNFRSF6B (RTEL1-TNFRSF6B readthrough (NMD candidate); plus strand), RTEL1 (regulator of telomere elongation helicase 1; plus strand). Cytogenetic location: 20q13.33.
Variant type: Indel.
Coding change: c.1349-14_1349-13delinsTT on transcript NM_001283009.2 (MANE Select); 14 bases into the intron before coding-DNA position 1349 through 13 bases into the intron before coding-DNA position 1349, CC replaced by TT.
Molecular consequence: intron variant.
Genome position (GRCh38, 1-based): chr20:63,687,624-63,687,625, CC replaced by TT. VCF-style: chr20-63687624-CC-TT. GRCh37 (hg19) VCF-style: chr20-62318977-CC-TT.
Other names: c.680-14_680-13delinsTT (NM_001283010.1); c.1421-14_1421-13delinsTT (NM_032957.5); c.1349-14_1349-13delinsTT (NM_016434.4).
Identifiers: ClinVar variation 1212765 (VCV001212765.12), dbSNP rs2145419536, ClinGen allele CA2499225830.

ClinVar aggregate classification (germline): Likely benign. Review status: criteria provided, multiple submitters, no conflicts (2 of 4 stars). 2 submissions from 2 submitters: Likely benign (2). Last evaluated 2026-02-01.

Conditions:
Pulmonary fibrosis and/or bone marrow failure, Telomere-related, 3. Also called: PULMONARY FIBROSIS AND/OR BONE MARROW FAILURE SYNDROME, TELOMERE-RELATED, 3. Identifiers: Orphanet 2032, MedGen C4225346, MONDO:0014613, OMIM 616373.
Dyskeratosis congenita, autosomal recessive 5 (DKCB5). Identifiers: MedGen C3554656, MONDO:0014076, OMIM 615190.

Submissions (2):

Labcorp Genetics (formerly Invitae), Labcorp
Classification: Likely benign for Dyskeratosis congenita, autosomal recessive 5; Pulmonary fibrosis and/or bone marrow failure, Telomere-related, 3. Last evaluated: 2026-02-01. Review status: criteria provided, single submitter. Criteria: Invitae Variant Classification Sherloc (09022015). Collection method: clinical testing. Allele origin: germline.

GeneDx
Classification: Likely benign. Last evaluated: 2023-04-29. Review status: criteria provided, single submitter. Criteria: GeneDx Variant Classification Process June 2021. Collection method: clinical testing. Allele origin: germline. Affected: yes.
Comment: See Variant Classification Assertion Criteria.